The following is an entry in ClinVar:

NM_018429.3(BDP1):c.3602A>C (p.Glu1201Ala)

Gene: BDP1 (BDP1 general transcription factor IIIB subunit; plus strand). Cytogenetic location: 5q13.2.
Variant type: single nucleotide variant.
Coding change: c.3602A>C on transcript NM_018429.3 (MANE Select); coding-DNA position 3602, A replaced by C.
Protein change: p.Glu1201Ala; replaces glutamic acid 1201 with alanine.
Molecular consequence: missense variant.
Genome position (GRCh38, 1-based): chr5:71,510,694, A>C. VCF-style: chr5-71510694-A-C. GRCh37 (hg19) VCF-style: chr5-70806521-A-C.
Other names: short protein forms E1201A.
Identifiers: ClinVar variation 1318443 (VCV001318443.5), dbSNP rs199840190, ClinGen allele CA3296494.

ClinVar aggregate classification (germline): Likely benign. Review status: criteria provided, multiple submitters, no conflicts (2 of 4 stars). 4 submissions from 4 submitters: Likely benign (3). 1 of the submissions does not count toward it. Last evaluated 2024-10-10.

Conditions:
BDP1-related disorder. Also called: BDP1-related condition.

Allele frequency attached by ClinVar (database versions not stated): ESP Exome Variant Server 0.00017; gnomAD 0.00027 and 0.00035; TOPMed 0.00029; 1000 Genomes Project 0.00060; 1000 Genomes Project 30x 0.00062; gnomAD exomes 0.00065 and 0.00084; ExAC 0.00083.
gnomAD v4.1: 998 of 1,614,060 alleles (0.062%); highest among the groups gnomAD compares: South Asian, 0.35%; 5 homozygotes.

Submissions (4):

Blueprint Genetics
Classification: Likely benign. Last evaluated: 2024-10-10. Review status: criteria provided, single submitter. Criteria: ACMG Guidelines, 2015. Collection method: clinical testing. Allele origin: germline.

GeneDx
Classification: Likely benign. Last evaluated: 2020-02-06. Review status: criteria provided, single submitter. Criteria: GeneDx Variant Classification Process June 2021. Collection method: clinical testing. Allele origin: germline. Affected: yes.

Breakthrough Genomics
Classification: Likely benign. Review status: criteria provided, single submitter. Criteria: ACMG Guidelines, 2015. Collection method: not provided. Allele origin: germline. Inheritance: Autosomal recessive inheritance. Affected: yes.

PreventionGenetics, part of Exact Sciences
Classification: Likely benign for BDP1-related condition. Last evaluated: 2024-07-08. Review status: no assertion criteria provided. Collection method: clinical testing. Allele origin: germline. Not counted in ClinVar's aggregate classification.
Comment: This variant is classified as likely benign based on ACMG/AMP sequence variant interpretation guidelines (Richards et al. 2015 PMID: 25741868, with internal and published modifications).